The following is an entry in ClinVar:

NM_001303256.3(MORC2):c.2698G>T (p.Ala900Ser)

Gene: MORC2 (MORC family CW-type zinc finger 2; minus strand). Cytogenetic location: 22q12.2.
Variant type: single nucleotide variant.
Coding change: c.2698G>T on transcript NM_001303256.3 (MANE Select); coding-DNA position 2698, G replaced by T.
Protein change: p.Ala900Ser; replaces alanine 900 with serine.
Molecular consequence: missense variant.
Genome position (GRCh38, 1-based): chr22:30,932,594, C>A on the plus strand (G>T on the coding strand, the complement: MORC2 is on the minus strand). VCF-style: chr22-30932594-C-A. GRCh37 (hg19) VCF-style: chr22-31328581-C-A.
Other names: c.2698G>T, p.Ala900Ser (NM_001303257.2); c.2512G>T, p.Ala838Ser (NM_014941.3); short protein forms A900S, A838S.
Identifiers: ClinVar variation 475585 (VCV000475585.7), dbSNP rs1555936530, ClinGen allele CA411231783.

ClinVar aggregate classification (germline): Uncertain significance (1 of 4 stars; one submission).

Conditions:
Charcot-Marie-Tooth disease axonal type 2Z. Also called: CHARCOT-MARIE-TOOTH DISEASE, AXONAL, AUTOSOMAL DOMINANT, TYPE 2Z; CHARCOT-MARIE-TOOTH NEUROPATHY, TYPE 2Z. Identifiers: Orphanet 466768, MedGen C5569025, MONDO:0014736, OMIM 616688.

gnomAD v4.1: 2 of 1,614,148 alleles (0.00012%); highest among the groups gnomAD compares: Non-Finnish European, 0.00017%; no homozygotes.

Submission:

Labcorp Genetics (formerly Invitae), Labcorp
Classification: Uncertain significance for Charcot-Marie-Tooth disease axonal type 2Z. Last evaluated: 2017-06-08. Review status: criteria provided, single submitter. Criteria: Invitae Variant Classification Sherloc (09022015). Collection method: clinical testing. Allele origin: germline.
Comment: This variant is not present in population databases (ExAC no frequency). This sequence change replaces alanine with serine at codon 838 of the MORC2 protein (p.Ala838Ser). The alanine residue is moderately conserved and there is a moderate physicochemical difference between alanine and serine. This variant has not been reported in the literature in individuals with a MORC2-related disease. In summary, this variant has uncertain impact on MORC2 function. The available evidence is currently insufficient to determine its role in disease. Therefore, it has been classified as a Variant of Uncertain Significance. Algorithms developed to predict the effect of missense changes on protein structure and function (SIFT, PolyPhen-2, Align-GVGD) all suggest that this variant is likely to be tolerated, but these predictions have not been confirmed by published functional studies and their clinical significance is uncertain.